The following is an entry in ClinVar:

ClinVar aggregate classification (germline): Uncertain significance. Review status: criteria provided, multiple submitters, no conflicts (2 of 4 stars). 4 submissions from 4 submitters: Uncertain significance (3). 1 of the submissions does not count toward it. Last evaluated 2025-07-31.

Conditions:
Tuberous sclerosis syndrome (TSC). Also called: Tuberous Sclerosis Complex; Tuberous sclerosis. Identifiers: Orphanet 805, MedGen C0041341, MONDO:0001734.
TSC2-related disorder. Also called: TSC2-related condition; TSC2-Related Disorders.
Tuberous sclerosis 2 (TSC2). Identifiers: Orphanet 805, MedGen C1860707, MONDO:0013199, OMIM 613254.
Hereditary cancer-predisposing syndrome. Also called: Hereditary neoplastic syndrome; Neoplastic Syndromes, Hereditary; Tumor predisposition; Hereditary Cancer Syndrome. Identifiers: Orphanet 140162, MedGen C0027672, MeSH D009386, MONDO:0015356.

gnomAD v4.1: 1 of 1,591,802 alleles (0.000063%); highest among the groups gnomAD compares: Non-Finnish European, 0.000085%; no homozygotes.

Submissions (4):

Labcorp Genetics (formerly Invitae), Labcorp
Classification: Uncertain significance for Tuberous sclerosis 2. Last evaluated: 2025-07-31. Review status: criteria provided, single submitter. Criteria: Invitae Variant Classification Sherloc (09022015). Collection method: clinical testing. Allele origin: germline.
Comment: This sequence change replaces proline, which is neutral and non-polar, with threonine, which is neutral and polar, at codon 91 of the TSC2 protein (p.Pro91Thr). This variant is not present in population databases (gnomAD no frequency). This variant has not been reported in the literature in individuals affected with TSC2-related conditions. ClinVar contains an entry for this variant (Variation ID: 467960). Invitae Evidence Modeling of protein sequence and biophysical properties (such as structural, functional, and spatial information, amino acid conservation, physicochemical variation, residue mobility, and thermodynamic stability) indicates that this missense variant is not expected to disrupt TSC2 protein function with a negative predictive value of 95%. In summary, the available evidence is currently insufficient to determine the role of this variant in disease. Therefore, it has been classified as a Variant of Uncertain Significance.

Ambry Genetics
Classification: Uncertain significance for Hereditary cancer-predisposing syndrome. Last evaluated: 2023-05-22. Review status: criteria provided, single submitter. Criteria: Ambry Variant Classification Scheme 2023. Collection method: clinical testing. Allele origin: germline.
Comment: The p.P91T variant (also known as c.271C>A), located in coding exon 3 of the TSC2 gene, results from a C to A substitution at nucleotide position 271. The proline at codon 91 is replaced by threonine, an amino acid with highly similar properties. This amino acid position is highly conserved in available vertebrate species. In addition, the in silico prediction for this alteration is inconclusive. Since supporting evidence is limited at this time, the clinical significance of this alteration remains unclear.

All of Us Research Program, National Institutes of Health
Classification: Uncertain significance for Tuberous sclerosis syndrome. Last evaluated: 2023-03-23. Review status: criteria provided, single submitter. Criteria: ACMG Guidelines, 2015. Collection method: clinical testing. Allele origin: germline. Inheritance: Autosomal dominant inheritance. Observed: 1 variant allele, 1 heterozygote.
Comment: This missense variant replaces proline with threonine at codon 91 of the TSC2 protein. Computational prediction suggests that this variant may not impact protein structure and function (internally defined REVEL score threshold <= 0.5, PMID: 27666373). To our knowledge, functional studies have not been reported for this variant. This variant has not been reported in individuals affected with tuberous sclerosis complex in the literature. This variant has not been identified in the general population by the Genome Aggregation Database (gnomAD). The available evidence is insufficient to determine the role of this variant in disease conclusively. Therefore, this variant is classified as a Variant of Uncertain Significance.

This study involves interpretation of variants in research participants for the purpose of population health screening. Participant phenotype was not available at the time of variant classification. Additional details can be found in publication PMID: 35346344, PMCID: PMC8962531

PreventionGenetics, part of Exact Sciences
Classification: Uncertain significance for TSC2-related condition. Last evaluated: 2024-06-27. Review status: no assertion criteria provided. Collection method: clinical testing. Allele origin: germline. Not counted in ClinVar's aggregate classification.
Comment: The TSC2 c.271C>A variant is predicted to result in the amino acid substitution p.Pro91Thr. To our knowledge, this variant has not been reported in the literature or in gnomAD, indicating this variant is rare. This variant is classified as a variant of uncertain significance in ClinVar. At this time, the clinical significance of this variant is uncertain due to the absence of conclusive functional and genetic evidence.

NM_000548.5(TSC2):c.271C>A (p.Pro91Thr)

Gene: TSC2 (TSC complex subunit 2; plus strand). Cytogenetic location: 16p13.3.
Variant type: single nucleotide variant.
Coding change: c.271C>A on transcript NM_000548.5 (MANE Select); coding-DNA position 271, C replaced by A.
Protein change: p.Pro91Thr; replaces proline 91 with threonine.
Molecular consequence: missense variant. On other transcripts: intron variant (2).
Genome position (GRCh38, 1-based): chr16:2,053,387, C>A. VCF-style: chr16-2053387-C-A. GRCh37 (hg19) VCF-style: chr16-2103388-C-A.
Other names: c.271C>A, p.Pro91Thr (NM_001077183.3, NM_001114382.3, NM_001363528.2 and 3 more transcripts); c.124C>A, p.Pro42Thr (NM_001318829.2); c.304C>A, p.Pro102Thr (NM_001318832.2); c.226-909C>A (NM_001318827.2); c.-1-2809C>A (NM_001318831.2); c.271C>A (NM_000548.4); short protein forms P91T, P102T, P42T.
Identifiers: ClinVar variation 467960 (VCV000467960.10), dbSNP rs1555496979, ClinGen allele CA394305662.
Genomic context (GRCh38, chr16:2,053,387, plus strand): 5'-CTCTGCTGGTGACAGCACGCAGTGGAAGCACTCTGGAAGGCGGTCGCGGATCTGTTGCAG[C>A]CGGAGCGGCCGCTGGAGGCCCGGCACGCGGTGCTGGCTCTGCTGAAGGCCATCGTGCAGG-3'
Protein context (NP_000539.2, residues 81-101): LWKAVADLLQ[Pro91Thr]ERPLEARHAV